The following is an entry in ClinVar:

ClinVar aggregate classification (germline): Uncertain significance (1 of 4 stars; one submission).

Conditions:
Ehlers-Danlos syndrome, classic type, 1 (EDSCL1). Also called: EHLERS-DANLOS SYNDROME, GRAVIS TYPE; EHLERS-DANLOS SYNDROME, SEVERE CLASSIC TYPE; Ehlers-Danlos syndrome, type 1; Ehlers-Danlos Syndrome, Classic Type, COL5A1-Related; EDS I. Identifiers: MedGen C0268335, MONDO:0019567, OMIM 130000.

Submission:

Labcorp Genetics (formerly Invitae), Labcorp
Classification: Uncertain significance for Ehlers-Danlos syndrome, classic type, 1. Last evaluated: 2025-08-29. Review status: criteria provided, single submitter. Criteria: Invitae Variant Classification Sherloc (09022015). Collection method: clinical testing. Allele origin: germline.
Comment: This sequence change replaces proline, which is neutral and non-polar, with leucine, which is neutral and non-polar, at codon 497 of the COL5A2 protein (p.Pro497Leu). This variant is not present in population databases (gnomAD no frequency). This variant has not been reported in the literature in individuals affected with COL5A2-related conditions. Invitae Evidence Modeling of protein sequence and biophysical properties (such as structural, functional, and spatial information, amino acid conservation, physicochemical variation, residue mobility, and thermodynamic stability) indicates that this missense variant is not expected to disrupt COL5A2 protein function with a negative predictive value of 80%. In summary, the available evidence is currently insufficient to determine the role of this variant in disease. Therefore, it has been classified as a Variant of Uncertain Significance.

NM_000393.5(COL5A2):c.1490C>T (p.Pro497Leu)

Gene: COL5A2 (collagen type V alpha 2 chain; minus strand). Cytogenetic location: 2q32.2.
Variant type: single nucleotide variant.
Coding change: c.1490C>T on transcript NM_000393.5 (MANE Select); coding-DNA position 1490, C replaced by T.
Protein change: p.Pro497Leu; replaces proline 497 with leucine.
Molecular consequence: missense variant.
Genome position (GRCh38, 1-based): chr2:189,066,463, G>A on the plus strand (C>T on the coding strand, the complement: COL5A2 is on the minus strand). VCF-style: chr2-189066463-G-A. GRCh37 (hg19) VCF-style: chr2-189931189-G-A.
Other names: short protein forms P497L.
Identifiers: ClinVar variation 4780598 (VCV004780598.1).
Genomic context (GRCh38, chr2:189,066,463, plus strand): 5'-GGCCCTGGAGGACCAACTGTTCCTGGGTCACCTCTGGGACCTCTTTTGCCTTCTTCACCG[G>A]GTGGGCCTATCGGACCCTGAATACCATGTGGCCCCTGTTAAAAACAGAAGGACAGTTACC-3'
Protein context (NP_000384.2, residues 487-507): PHGIQGPIGP[Pro497Leu]GEEGKRGPRG